The following is an entry in ClinVar:

NM_001031710.3(KLHL7):c.509A>C (p.His170Pro)

Gene: KLHL7 (kelch like family member 7; plus strand). Cytogenetic location: 7p15.3.
Variant type: single nucleotide variant.
Coding change: c.509A>C on transcript NM_001031710.3 (MANE Select); coding-DNA position 509, A replaced by C.
Protein change: p.His170Pro; replaces histidine 170 with proline.
Molecular consequence: missense variant. On other transcripts: non-coding transcript variant (1).
Genome position (GRCh38, 1-based): chr7:23,140,835, A>C. VCF-style: chr7-23140835-A-C. GRCh37 (hg19) VCF-style: chr7-23180454-A-C.
Other names: c.365A>C, p.His122Pro (NM_018846.5); short protein forms H122P, H170P.
Identifiers: ClinVar variation 4982163 (VCV004982163.1).

ClinVar aggregate classification (germline): Uncertain significance (1 of 4 stars; one submission).

Conditions:
KLHL7-related disorder. Also called: KLHL7-related condition; KLHL7-related disorders.

Submission:

PreventionGenetics, part of Exact Sciences
Classification: Uncertain significance for KLHL7-related condition. Last evaluated: 2025-10-01. Review status: criteria provided, single submitter. Criteria: ACMG Guidelines, 2015. Collection method: clinical testing. Allele origin: germline.
Comment: The KLHL7 c.509A>C variant is predicted to result in the amino acid substitution p.His170Pro. To our knowledge, this variant has not been reported in the literature or in a large population database (gnomAD), indicating this variant is rare. At this time, the clinical significance of this variant is uncertain due to the absence of conclusive functional and genetic evidence.